The following is an entry in ClinVar:

ClinVar aggregate classification (germline): Uncertain significance (1 of 4 stars; one submission).

Conditions:
Fabry disease. Also called: ALPHA-GALACTOSIDASE A DEFICIENCY; ANDERSON-FABRY DISEASE; CERAMIDE TRIHEXOSIDASE DEFICIENCY; GLA DEFICIENCY; HEREDITARY DYSTOPIC LIPIDOSIS; Angiokeratoma corporis diffusum. Identifiers: Orphanet 324, MedGen C0002986, MONDO:0010526, OMIM 301500, HP:0001071. Disease mechanism: Fabry disease is due to inactivating mutations in the X-linked GLA gene resulting in deficiency of the enzyme Alpha Galactosidase-A., loss of function.

Submission:

Genomenon, Inc
Classification: Uncertain significance for Fabry disease. Last evaluated: 2026-09-08. Review status: criteria provided, single submitter. Criteria: Genomenon Sequence Variant Interpretation Standards - Updated. Collection method: curation. Allele origin: germline. Affected: yes.
Comment: GLA p.Ser247Cys (c.740C>G) is a missense variant that changes the amino acid at codon 247 from Serine to Cysteine. This variant has been observed in at least one proband with clinical features consistent with Fabry disease (PMID:12428061). Functional or patient cell studies have been reported (PMID:27657681). The presence of pathogenic/likely pathogenic missense variant(s) at the same amino acid position indicates that this residue is likely important for protein function. It is absent or not present at a significant frequency in gnomAD. In conclusion, we classify GLA p.Ser247Cys (c.740C>G) as a variant of uncertain significance.

Literature cited by the submitters: PubMed 12428061; PubMed 27657681.

NM_000169.3(GLA):c.740C>G (p.Ser247Cys)

Genes: GLA (galactosidase alpha; minus strand), RPL36A-HNRNPH2 (RPL36A-HNRNPH2 readthrough; plus strand). Cytogenetic location: Xq22.1.
Variant type: single nucleotide variant.
Coding change: c.740C>G on transcript NM_000169.3 (MANE Select); coding-DNA position 740, C replaced by G.
Protein change: p.Ser247Cys; replaces serine 247 with cysteine.
Molecular consequence: missense variant. On other transcripts: non-coding transcript variant (3), intron variant (2).
Genome position (GRCh38, 1-based): chrX:101,398,846, G>C on the plus strand (C>G on the coding strand, the complement: GLA is on the minus strand). VCF-style: chrX-101398846-G-C. GRCh37 (hg19) VCF-style: chrX-100653834-G-C.
Other names: c.863C>G, p.Ser288Cys (NM_001406747.1); c.740C>G, p.Ser247Cys (NM_001406748.1); c.300+3389G>C (NM_001199973.2); c.177+7024G>C (NM_001199974.2); short protein forms S247C, S288C.
Identifiers: ClinVar variation 4087490 (VCV004087490.2).